The following is an entry in ClinVar:

NM_000179.3(MSH6):c.286G>T (p.Val96Phe)

Gene: MSH6 (mutS homolog 6; plus strand). Cytogenetic location: 2p16.3.
Variant type: single nucleotide variant.
Coding change: c.286G>T on transcript NM_000179.3 (MANE Select); coding-DNA position 286, G replaced by T.
Protein change: p.Val96Phe; replaces valine 96 with phenylalanine.
Molecular consequence: missense variant. On other transcripts: 5 prime UTR variant (2), intron variant (1).
Genome position (GRCh38, 1-based): chr2:47,790,952, G>T. VCF-style: chr2-47790952-G-T. GRCh37 (hg19) VCF-style: chr2-48018091-G-T.
Other names: c.-451G>T (NM_001281493.2); c.-617G>T (NM_001281494.2); c.237+7482G>T (NM_001281492.2); short protein forms V96F.
Identifiers: ClinVar variation 921738 (VCV000921738.18), dbSNP rs984265203, ClinGen allele CA46697243.
Genomic context (GRCh38, chr2:47,790,952, plus strand): 5'-TATTAACTAAGTTATGTATTTCCTTTTGGCAACAGTTGTGACTTCTCACCAGGAGATTTG[G>T]TTTGGGCCAAGATGGAGGGTTACCCCTGGTGGCCTTGTCTGGTTTACAACCACCCCTTTG-3'
Protein context (NP_000170.1, residues 86-106): TSCDFSPGDL[Val96Phe]WAKMEGYPWW

ClinVar aggregate classification (germline): Uncertain significance. Review status: criteria provided, multiple submitters, no conflicts (2 of 4 stars). 4 submissions from 4 submitters: Uncertain significance (4). Last evaluated 2024-08-19.

Conditions:
Endometrial carcinoma. Also called: Endometrial carcinoma, somatic. Identifiers: MedGen C0476089, MONDO:0002447, OMIM 608089, HP:0012114.
Hereditary nonpolyposis colorectal neoplasms. Identifiers: MedGen C0009405, MeSH D003123.
Hereditary cancer-predisposing syndrome. Also called: Neoplastic Syndromes, Hereditary; Tumor predisposition; Hereditary Cancer Syndrome; Hereditary neoplastic syndrome. Identifiers: Orphanet 140162, MedGen C0027672, MeSH D009386, MONDO:0015356.

Allele frequency attached by ClinVar (database versions not stated): TOPMed below 0.00001.

Submissions (4):

Ambry Genetics
Classification: Uncertain significance for Hereditary cancer-predisposing syndrome. Last evaluated: 2024-08-19. Review status: criteria provided, single submitter. Criteria: Ambry Variant Classification Scheme 2023. Collection method: clinical testing. Allele origin: germline.
Comment: The p.V96F variant (also known as c.286G>T), located in coding exon 2 of the MSH6 gene, results from a G to T substitution at nucleotide position 286. The valine at codon 96 is replaced by phenylalanine, an amino acid with highly similar properties. This amino acid position is highly conserved in available vertebrate species. In addition, this alteration is predicted to be deleterious by in silico analysis. Based on the available evidence, the clinical significance of this variant remains unclear.

Baylor Genetics
Classification: Uncertain significance for Endometrial carcinoma. Last evaluated: 2023-12-25. Review status: criteria provided, single submitter. Criteria: ACMG Guidelines, 2015. Collection method: clinical testing. Allele origin: unknown.

Color Diagnostics, LLC DBA Color Health
Classification: Uncertain significance for Hereditary cancer-predisposing syndrome. Last evaluated: 2023-12-04. Review status: criteria provided, single submitter. Criteria: ACMG Guidelines, 2015. Collection method: clinical testing. Allele origin: germline.
Comment: This missense variant replaces valine with phenylalanine at codon 96 of the MSH6 protein. Computational prediction suggests that this variant may have deleterious impact on protein structure and function (internally defined REVEL score threshold >= 0.7, PMID: 27666373). To our knowledge, functional studies have not been reported for this variant. This variant has not been reported in individuals affected with MSH6-related disorders in the literature. This variant has not been identified in the general population by the Genome Aggregation Database (gnomAD). The available evidence is insufficient to determine the role of this variant in disease conclusively. Therefore, this variant is classified as a Variant of Uncertain Significance.

Labcorp Genetics (formerly Invitae), Labcorp
Classification: Uncertain significance for Hereditary nonpolyposis colorectal neoplasms. Last evaluated: 2019-06-06. Review status: criteria provided, single submitter. Criteria: Invitae Variant Classification Sherloc (09022015). Collection method: clinical testing. Allele origin: germline.
Comment: This variant has not been reported in the literature in individuals with MSH6-related conditions. Algorithms developed to predict the effect of missense changes on protein structure and function are either unavailable or do not agree on the potential impact of this missense change (SIFT: "Deleterious"; PolyPhen-2: "Probably Damaging"; Align-GVGD: "Class C0"). In summary, the available evidence is currently insufficient to determine the role of this variant in disease. Therefore, it has been classified as a Variant of Uncertain Significance. This sequence change replaces valine with phenylalanine at codon 96 of the MSH6 protein (p.Val96Phe). The valine residue is highly conserved and there is a small physicochemical difference between valine and phenylalanine. This variant is not present in population databases (ExAC no frequency).